The following is an entry in ClinVar:

ClinVar aggregate classification (germline): Uncertain significance (1 of 4 stars; one submission).

Conditions:
de Barsy syndrome. Also called: Cutis laxa-corneal clouding-oligophrenia syndrome. Identifiers: Orphanet 2962, MedGen C0268354, MONDO:0017569.
Autosomal dominant spastic paraplegia type 9. Identifiers: MedGen C1832669, MONDO:0015091.
Cutis laxa, autosomal dominant 3 (ADCL3). Identifiers: Orphanet 90348, MedGen C4225268, MONDO:0014706, OMIM 616603.

Submission:

Labcorp Genetics (formerly Invitae), Labcorp
Classification: Uncertain significance for Autosomal dominant spastic paraplegia type 9; de Barsy syndrome; Cutis laxa, autosomal dominant 3. Last evaluated: 2020-01-02. Review status: criteria provided, single submitter. Criteria: Invitae Variant Classification Sherloc (09022015). Collection method: clinical testing. Allele origin: germline.
Comment: This sequence change replaces asparagine with threonine at codon 191 of the ALDH18A1 protein (p.Asn191Thr). The asparagine residue is moderately conserved and there is a small physicochemical difference between asparagine and threonine. This variant is not present in population databases (ExAC no frequency). This variant has not been reported in the literature in individuals with ALDH18A1-related conditions. Algorithms developed to predict the effect of missense changes on protein structure and function (SIFT, PolyPhen-2, Align-GVGD) all suggest that this variant is likely to be tolerated, but these predictions have not been confirmed by published functional studies and their clinical significance is uncertain. In summary, the available evidence is currently insufficient to determine the role of this variant in disease. Therefore, it has been classified as a Variant of Uncertain Significance.

NM_002860.4(ALDH18A1):c.572A>C (p.Asn191Thr)

Gene: ALDH18A1 (aldehyde dehydrogenase 18 family member A1; minus strand). Cytogenetic location: 10q24.1.
Variant type: single nucleotide variant.
Coding change: c.572A>C on transcript NM_002860.4 (MANE Select); coding-DNA position 572, A replaced by C.
Protein change: p.Asn191Thr; replaces asparagine 191 with threonine.
Molecular consequence: missense variant. On other transcripts: 5 prime UTR variant (1).
Genome position (GRCh38, 1-based): chr10:95,633,636, T>G on the plus strand (A>C on the coding strand, the complement: ALDH18A1 is on the minus strand). VCF-style: chr10-95633636-T-G. GRCh37 (hg19) VCF-style: chr10-97393393-T-G.
Other names: c.572A>C, p.Asn191Thr (NM_001017423.2, NM_001323413.2, NM_001323414.2 and 1 more transcripts); c.239A>C, p.Asn80Thr (NM_001323412.2, NM_001323416.2, NM_001323418.2); c.467A>C, p.Asn156Thr (NM_001323417.2); c.-65A>C (NM_001323419.2); short protein forms N80T, N191T, N156T.
Identifiers: ClinVar variation 963170 (VCV000963170.10), dbSNP rs747052164, ClinGen allele CA377705481.
Genomic context (GRCh38, chr10:95,633,636, plus strand): 5'-AGGAGTTCATGAAGTGTTCCATTGAGGTTCCGGCGCTTCTGCTCATCATGGAAATCCAAA[T>G]TGGTCACCAAAATCTAAAAGGATTAAATAGATGGAAAATGCATGAGGGAGAAAAACGCTA-3'
Protein context (NP_002851.2, residues 181-201): SICAAQILVT[Asn191Thr]LDFHDEQKRR